The following is an entry in ClinVar:

ClinVar aggregate classification (germline): Uncertain significance. Review status: criteria provided, multiple submitters, no conflicts (2 of 4 stars). 3 submissions from 3 submitters: Uncertain significance (3). Last evaluated 2023-07-14.

Conditions:
Hereditary cancer-predisposing syndrome. Also called: Tumor predisposition; Hereditary Cancer Syndrome; Neoplastic Syndromes, Hereditary; Hereditary neoplastic syndrome. Identifiers: Orphanet 140162, MedGen C0027672, MeSH D009386, MONDO:0015356.
Juvenile polyposis syndrome (JPS). Identifiers: Orphanet 2929, MedGen C0345893, MONDO:0017380, OMIM 174900.
Polyposis syndrome, hereditary mixed, 2. Identifiers: Orphanet 157794, MedGen C1864730, MONDO:0012405, OMIM 610069.

Allele frequency attached by ClinVar (database versions not stated): gnomAD exomes below 0.00001.
gnomAD v4.1: 3 of 1,614,168 alleles (0.00019%); highest among the groups gnomAD compares: Non-Finnish European, 0.00025%; no homozygotes.

Submissions (3):

Labcorp Genetics (formerly Invitae), Labcorp
Classification: Uncertain significance for Juvenile polyposis syndrome. Last evaluated: 2023-07-14. Review status: criteria provided, single submitter. Criteria: Invitae Variant Classification Sherloc (09022015). Collection method: clinical testing. Allele origin: germline.
Comment: Advanced modeling of protein sequence and biophysical properties (such as structural, functional, and spatial information, amino acid conservation, physicochemical variation, residue mobility, and thermodynamic stability) performed at Invitae indicates that this missense variant is not expected to disrupt BMPR1A protein function. ClinVar contains an entry for this variant (Variation ID: 1017728). This variant has not been reported in the literature in individuals affected with BMPR1A-related conditions. This variant is not present in population databases (gnomAD no frequency). This sequence change replaces asparagine, which is neutral and polar, with lysine, which is basic and polar, at codon 418 of the BMPR1A protein (p.Asn418Lys). In summary, the available evidence is currently insufficient to determine the role of this variant in disease. Therefore, it has been classified as a Variant of Uncertain Significance.

Baylor Genetics
Classification: Uncertain significance for Polyposis syndrome, hereditary mixed, 2. Last evaluated: 2023-07-06. Review status: criteria provided, single submitter. Criteria: ACMG Guidelines, 2015. Collection method: clinical testing. Allele origin: unknown.

Ambry Genetics
Classification: Uncertain significance for Hereditary cancer-predisposing syndrome. Last evaluated: 2021-03-03. Review status: criteria provided, single submitter. Criteria: Ambry Variant Classification Scheme 2023. Collection method: clinical testing. Allele origin: germline.
Comment: The p.N418K variant (also known as c.1254C>G), located in coding exon 9 of the BMPR1A gene, results from a C to G substitution at nucleotide position 1254. The asparagine at codon 418 is replaced by lysine, an amino acid with similar properties. This amino acid position is highly conserved in available vertebrate species. In addition, the in silico prediction for this alteration is inconclusive. Since supporting evidence is limited at this time, the clinical significance of this alteration remains unclear.

NM_004329.3(BMPR1A):c.1254C>G (p.Asn418Lys)

Gene: BMPR1A (bone morphogenetic protein receptor type 1A; plus strand). Cytogenetic location: 10q23.2.
Variant type: single nucleotide variant.
Coding change: c.1254C>G on transcript NM_004329.3 (MANE Select); coding-DNA position 1254, C replaced by G.
Protein change: p.Asn418Lys; replaces asparagine 418 with lysine.
Molecular consequence: missense variant.
Genome position (GRCh38, 1-based): chr10:86,921,607, C>G. VCF-style: chr10-86921607-C-G. GRCh37 (hg19) VCF-style: chr10-88681364-C-G.
Other names: short protein forms N418K.
Identifiers: ClinVar variation 1017728 (VCV001017728.12), dbSNP rs1843666528, ClinGen allele CA377462119.